The following is an entry in ClinVar:

ClinVar aggregate classification (germline): Uncertain significance. Review status: criteria provided, multiple submitters, no conflicts (2 of 4 stars). 2 submissions from 2 submitters: Uncertain significance (2). Last evaluated 2025-10-16.

Allele frequency attached by ClinVar (database versions not stated): gnomAD 0.00011 and 0.00012.
gnomAD v4.1: 34 of 1,613,612 alleles (0.0021%); highest among the groups gnomAD compares: African/African-American, 0.021%; no homozygotes.

Submissions (2):

Labcorp Genetics (formerly Invitae), Labcorp
Classification: Uncertain significance. Last evaluated: 2025-10-16. Review status: criteria provided, single submitter. Criteria: Invitae Variant Classification Sherloc (09022015). Collection method: clinical testing. Allele origin: germline.
Comment: This sequence change creates a premature translational stop signal (p.Arg270*) in the CCDC50 gene. It is expected to result in an absent or disrupted protein product. However, the current clinical and genetic evidence is not sufficient to establish whether loss-of-function variants in CCDC50 cause disease. This variant is present in population databases (rs774926550, gnomAD 0.02%). This variant has not been reported in the literature in individuals affected with CCDC50-related conditions. ClinVar contains an entry for this variant (Variation ID: 1526390). In summary, the available evidence is currently insufficient to determine the role of this variant in disease. Therefore, it has been classified as a Variant of Uncertain Significance.

GeneDx
Classification: Uncertain significance. Last evaluated: 2022-03-14. Review status: criteria provided, single submitter. Criteria: GeneDx Variant Classification Process June 2021. Collection method: clinical testing. Allele origin: germline. Affected: yes.
Comment: Nonsense variant predicted to result in protein truncation or nonsense mediated decay in a gene for which loss-of-function is not a known mechanism of disease; Has not been previously published as pathogenic or benign to our knowledge

NM_178335.3(CCDC50):c.808C>T (p.Arg270Ter)

Gene: CCDC50 (coiled-coil domain containing 50; plus strand). Cytogenetic location: 3q28.
Variant type: single nucleotide variant.
Coding change: c.808C>T on transcript NM_178335.3 (MANE Select); coding-DNA position 808, C replaced by T.
Protein change: p.Arg270Ter; replaces arginine 270 with a stop codon.
Molecular consequence: nonsense. On other transcripts: intron variant (1).
Genome position (GRCh38, 1-based): chr3:191,375,421, C>T. VCF-style: chr3-191375421-C-T. GRCh37 (hg19) VCF-style: chr3-191093210-C-T.
Other names: c.449-4738C>T (NM_174908.4); short protein forms R270*.
Identifiers: ClinVar variation 1526390 (VCV001526390.3), dbSNP rs774926550, ClinGen allele CA2755336.